The following is an entry in ClinVar:

NM_000525.4(KCNJ11):c.491T>C (p.Leu164Pro)

Gene: KCNJ11 (potassium inwardly rectifying channel subfamily J member 11; minus strand). Cytogenetic location: 11p15.1.
Variant type: single nucleotide variant.
Coding change: c.491T>C on transcript NM_000525.4 (MANE Select); coding-DNA position 491, T replaced by C.
Protein change: p.Leu164Pro; replaces leucine 164 with proline.
Molecular consequence: missense variant.
Genome position (GRCh38, 1-based): chr11:17,387,601, A>G on the plus strand (T>C on the coding strand, the complement: KCNJ11 is on the minus strand). VCF-style: chr11-17387601-A-G. GRCh37 (hg19) VCF-style: chr11-17409148-A-G.
Other names: c.230T>C, p.Leu77Pro (NM_001166290.2, NM_001377296.1, NM_001377297.1); short protein forms L164P, L77P.
Identifiers: ClinVar variation 2735541 (VCV002735541.3), dbSNP rs2496410573, ClinGen allele CA379773258.
Genomic context (GRCh38, chr11:17,387,601, plus strand): 5'-CTGAAGATGAGGGTCTCAGCCCTGCGGTGGGCTTGGGCAGTCTTCATGAAGATGCAGCCA[A>G]GCATGATGGCGTTGATCATGAGCCCCACGATGTTCTGCACGATGAGGATCAGGATGGCCA-3'
Protein context (NP_000516.3, residues 154-174): IVGLMINAIM[Leu164Pro]GCIFMKTAQA

ClinVar aggregate classification (germline): Pathogenic (1 of 4 stars; one submission).

Submission:

Labcorp Genetics (formerly Invitae), Labcorp
Classification: Pathogenic. Last evaluated: 2023-04-12. Review status: criteria provided, single submitter. Criteria: Invitae Variant Classification Sherloc (09022015). Collection method: clinical testing. Allele origin: germline.
Comment: For these reasons, this variant has been classified as Pathogenic. Advanced modeling of protein sequence and biophysical properties (such as structural, functional, and spatial information, amino acid conservation, physicochemical variation, residue mobility, and thermodynamic stability) performed at Invitae indicates that this missense variant is expected to disrupt KCNJ11 protein function. This missense change has been observed in individual(s) with neonatal diabetes mellitus (PMID: 16885550, 17213273). In at least one individual the variant was observed to be de novo. This variant is not present in population databases (gnomAD no frequency). This sequence change replaces leucine, which is neutral and non-polar, with proline, which is neutral and non-polar, at codon 164 of the KCNJ11 protein (p.Leu164Pro).

Literature cited by the submitters: PubMed 16885550; PubMed 17213273.